The following is an entry in ClinVar:

NM_001723.7(DST):c.5499T>G (p.Asp1833Glu)

Gene: DST (dystonin; minus strand). Cytogenetic location: 6p12.1.
Variant type: single nucleotide variant.
Coding change: c.5499T>G on transcript NM_001723.7 (MANE Plus Clinical); coding-DNA position 5499, T replaced by G.
Protein change: p.Asp1833Glu; replaces aspartic acid 1833 with glutamic acid.
Molecular consequence: missense variant. On other transcripts: intron variant (10).
Genome position (GRCh38, 1-based): chr6:56,618,535, A>C on the plus strand (T>G on the coding strand, the complement: DST is on the minus strand). VCF-style: chr6-56618535-A-C. GRCh37 (hg19) VCF-style: chr6-56483333-A-C.
Other names: c.4831-4051T>G (NM_001144769.5); c.4930-4051T>G (NM_001374722.1, NM_001374736.1); c.4957-4051T>G (NM_001374734.1); c.4417-4051T>G (NM_001144770.2); c.4297-4051T>G (NM_001374730.1, NM_001386100.1, NM_183380.4 and 1 more transcripts); c.3319-4051T>G (NM_015548.5); short protein forms D1833E.
Identifiers: ClinVar variation 3774160 (VCV003774160.1).

ClinVar aggregate classification (germline): Uncertain significance (1 of 4 stars; one submission).

gnomAD v4.1: 2 of 1,614,160 alleles (0.00012%); highest among the groups gnomAD compares: Non-Finnish European, 0.00017%; no homozygotes.

Submission:

GeneDx
Classification: Uncertain significance. Last evaluated: 2024-09-22. Review status: criteria provided, single submitter. Criteria: GeneDx Variant Classification Process June 2021. Collection method: clinical testing. Allele origin: germline. Affected: yes.
Comment: Not observed at significant frequency in large population cohorts (gnomAD); In silico analysis indicates that this missense variant does not alter protein structure/function; Has not been previously published as pathogenic or benign to our knowledge; Reported using the transcript encoding the epithelial isoform of the gene